The following is an entry in ClinVar:

NM_024411.5(PDYN):c.59C>T (p.Ala20Val)

Genes: PDYN (prodynorphin; minus strand), PDYN-AS1 (PDYN antisense RNA 1; plus strand). Cytogenetic location: 20p13.
Variant type: single nucleotide variant.
Coding change: c.59C>T on transcript NM_024411.5 (MANE Select); coding-DNA position 59, C replaced by T.
Protein change: p.Ala20Val; replaces alanine 20 with valine.
Molecular consequence: missense variant.
Genome position (GRCh38, 1-based): chr20:1,983,026, G>A on the plus strand (C>T on the coding strand, the complement: PDYN is on the minus strand). VCF-style: chr20-1983026-G-A. GRCh37 (hg19) VCF-style: chr20-1963672-G-A.
Other names: c.59C>T, p.Ala20Val (NM_001190892.1, NM_001190898.3, NM_001190899.2 and 1 more transcripts); c.59C>T (NM_024411.4); short protein forms A20V.
Identifiers: ClinVar variation 2188108 (VCV002188108.5), dbSNP rs146598522, ClinGen allele CA310827511.

ClinVar aggregate classification (germline): Uncertain significance. Review status: criteria provided, multiple submitters, no conflicts (2 of 4 stars). 2 submissions from 2 submitters: Uncertain significance (2). Last evaluated 2025-04-01.

Conditions:
Inborn genetic diseases. Identifiers: MedGen C0950123, MeSH D030342.

Allele frequency attached by ClinVar (database versions not stated): ESP Exome Variant Server 0.00008; TOPMed 0.00009; gnomAD 0.00013.

Submissions (2):

Labcorp Genetics (formerly Invitae), Labcorp
Classification: Uncertain significance. Last evaluated: 2025-04-01. Review status: criteria provided, single submitter. Criteria: Invitae Variant Classification Sherloc (09022015). Collection method: clinical testing. Allele origin: germline.
Comment: This sequence change replaces alanine, which is neutral and non-polar, with valine, which is neutral and non-polar, at codon 20 of the PDYN protein (p.Ala20Val). This variant is present in population databases (rs146598522, gnomAD 0.02%). This variant has not been reported in the literature in individuals affected with PDYN-related conditions. ClinVar contains an entry for this variant (Variation ID: 2188108). Invitae Evidence Modeling of protein sequence and biophysical properties (such as structural, functional, and spatial information, amino acid conservation, physicochemical variation, residue mobility, and thermodynamic stability) has been performed for this missense variant. However, the output from this modeling did not meet the statistical confidence thresholds required to predict the impact of this variant on PDYN protein function. In summary, the available evidence is currently insufficient to determine the role of this variant in disease. Therefore, it has been classified as a Variant of Uncertain Significance.

Ambry Genetics
Classification: Uncertain significance for Inborn genetic diseases. Last evaluated: 2024-08-26. Review status: criteria provided, single submitter. Criteria: Ambry Variant Classification Scheme 2023. Collection method: clinical testing. Allele origin: germline.